The following is an entry in ClinVar:

ClinVar aggregate classification (germline): Uncertain significance (1 of 4 stars; one submission).

Allele frequency attached by ClinVar (database versions not stated): gnomAD exomes below 0.00001; TOPMed below 0.00001; gnomAD 0.00001.
gnomAD v4.1: 3 of 1,614,058 alleles (0.00019%); highest among the groups gnomAD compares: South Asian, 0.0022%; no homozygotes.

Submission:

Ambry Genetics
Classification: Uncertain significance. Last evaluated: 2022-10-08. Review status: criteria provided, single submitter. Criteria: Ambry Variant Classification Scheme 2023. Collection method: clinical testing. Allele origin: germline.
Comment: The p.S491P variant (also known as c.1471T>C), located in coding exon 13 of the NPAT gene, results from a T to C substitution at nucleotide position 1471. The serine at codon 491 is replaced by proline, an amino acid with similar properties. This amino acid position is conserved. In addition, this alteration is predicted to be tolerated by in silico analysis. Since supporting evidence is limited at this time, the clinical significance of this alteration remains unclear.

NM_002519.3(NPAT):c.1471T>C (p.Ser491Pro)

Gene: NPAT (nuclear protein, coactivator of histone transcription; minus strand). Cytogenetic location: 11q22.3.
Variant type: single nucleotide variant.
Coding change: c.1471T>C on transcript NM_002519.3 (MANE Select); coding-DNA position 1471, T replaced by C.
Protein change: p.Ser491Pro; replaces serine 491 with proline.
Molecular consequence: missense variant.
Genome position (GRCh38, 1-based): chr11:108,173,513, A>G on the plus strand (T>C on the coding strand, the complement: NPAT is on the minus strand). VCF-style: chr11-108173513-A-G. GRCh37 (hg19) VCF-style: chr11-108044240-A-G.
Other names: c.1471T>C, p.Ser491Pro (NM_001321307.1); short protein forms S491P.
Identifiers: ClinVar variation 1773371 (VCV001773371.2), dbSNP rs1382376970, ClinGen allele CA382515115.